The following is an entry in ClinVar:

NM_001128178.3(NPHP1):c.729-1G>C

Gene: NPHP1 (nephrocystin 1; minus strand). Cytogenetic location: 2q13.
Variant type: single nucleotide variant.
Coding change: c.729-1G>C on transcript NM_001128178.3 (MANE Select); the canonical splice acceptor site of the intron before coding-DNA position 729, G replaced by C.
Molecular consequence: splice acceptor variant.
Genome position (GRCh38, 1-based): chr2:110,164,731, C>G on the plus strand (G>C on the coding strand, the complement: NPHP1 is on the minus strand). VCF-style: chr2-110164731-C-G. GRCh37 (hg19) VCF-style: chr2-110922308-C-G.
Other names: c.543-1G>C (NM_001128179.3); c.729-1G>C (NM_001374256.1, NM_001374257.1, NM_207181.4 and 1 more transcripts).
Identifiers: ClinVar variation 2148377 (VCV002148377.4), dbSNP rs2467370400, ClinGen allele CA348092051.

ClinVar aggregate classification (germline): Likely pathogenic (1 of 4 stars; one submission).

Conditions:
Nephronophthisis. Also called: Juvenile Nephronophthisis. Identifiers: Orphanet 655, MedGen C0687120, MONDO:0019005, HP:0000090.

Submission:

Labcorp Genetics (formerly Invitae), Labcorp
Classification: Likely pathogenic for Nephronophthisis. Last evaluated: 2022-05-30. Review status: criteria provided, single submitter. Criteria: Invitae Variant Classification Sherloc (09022015). Collection method: clinical testing. Allele origin: germline.
Comment: This variant has not been reported in the literature in individuals affected with NPHP1-related conditions. This sequence change affects an acceptor splice site in intron 7 of the NPHP1 gene. It is expected to disrupt RNA splicing. Variants that disrupt the donor or acceptor splice site typically lead to a loss of protein function (PMID: 16199547), and loss-of-function variants in NPHP1 are known to be pathogenic (PMID: 23559409). This variant is not present in population databases (gnomAD no frequency). Algorithms developed to predict the effect of sequence changes on RNA splicing suggest that this variant may disrupt the consensus splice site. In summary, the currently available evidence indicates that the variant is pathogenic, but additional data are needed to prove that conclusively. Therefore, this variant has been classified as Likely Pathogenic.

Literature cited by the submitters: PubMed 16199547; PubMed 23559409.